The following is an entry in ClinVar:

NM_001042545.2(LTBP4):c.618C>A (p.Ser206Arg)

Gene: LTBP4 (latent transforming growth factor beta binding protein 4; plus strand). Cytogenetic location: 19q13.2.
Variant type: single nucleotide variant.
Coding change: c.618C>A on transcript NM_001042545.2 (MANE Select); coding-DNA position 618, C replaced by A.
Protein change: p.Ser206Arg; replaces serine 206 with arginine.
Molecular consequence: missense variant.
Genome position (GRCh38, 1-based): chr19:40,605,580, C>A. VCF-style: chr19-40605580-C-A. GRCh37 (hg19) VCF-style: chr19-41111486-C-A.
Other names: c.819C>A, p.Ser273Arg (NM_001042544.1); c.708C>A, p.Ser236Arg (NM_003573.2); short protein forms S206R, S273R, S236R.
Identifiers: ClinVar variation 1971402 (VCV001971402.5), dbSNP rs1436064875, ClinGen allele CA405933483.
Genomic context (GRCh38, chr19:40,605,580, plus strand): 5'-GCGGGCGGAAGCGGCGGCGCGGGCGGAGGCGGCAGCGCCCTACACGGTGTTGGCACAGAG[C>A]GCGCCGCGGGAGGACGGCTACTCAGATGCCTCGGGCTTCGGTTACTGCTTTCGGGAGCTG-3'
Protein context (NP_001036010.1, residues 196-216): AAAPYTVLAQ[Ser206Arg]APREDGYSDA

ClinVar aggregate classification (germline): Uncertain significance (1 of 4 stars; one submission).

Submission:

Labcorp Genetics (formerly Invitae), Labcorp
Classification: Uncertain significance. Last evaluated: 2022-09-01. Review status: criteria provided, single submitter. Criteria: Invitae Variant Classification Sherloc (09022015). Collection method: clinical testing. Allele origin: germline.
Comment: In summary, the available evidence is currently insufficient to determine the role of this variant in disease. Therefore, it has been classified as a Variant of Uncertain Significance. Experimental studies and prediction algorithms are not available or were not evaluated, and the functional significance of this variant is currently unknown. This variant has not been reported in the literature in individuals affected with LTBP4-related conditions. This variant is not present in population databases (gnomAD no frequency). This sequence change replaces serine, which is neutral and polar, with arginine, which is basic and polar, at codon 236 of the LTBP4 protein (p.Ser236Arg).